The following is an entry in ClinVar:

NM_201384.3(PLEC):c.9034G>A (p.Glu3012Lys)

Gene: PLEC (plectin; minus strand). Cytogenetic location: 8q24.3.
Variant type: single nucleotide variant.
Coding change: c.9034G>A on transcript NM_201384.3 (MANE Select); coding-DNA position 9034, G replaced by A.
Protein change: p.Glu3012Lys; replaces glutamic acid 3012 with lysine.
Molecular consequence: missense variant.
Genome position (GRCh38, 1-based): chr8:143,920,787, C>T on the plus strand (G>A on the coding strand, the complement: PLEC is on the minus strand). VCF-style: chr8-143920787-C-T. GRCh37 (hg19) VCF-style: chr8-144994955-C-T.
Other names: p.Glu3039Lys; c.9115G>A, p.Glu3039Lys (NM_000445.5); c.8992G>A, p.Glu2998Lys (NM_201378.4); c.8968G>A, p.Glu2990Lys (NM_201379.3); c.9445G>A, p.Glu3149Lys (NM_201380.4); c.8938G>A, p.Glu2980Lys (NM_201381.3); c.9034G>A, p.Glu3012Lys (NM_201382.4); c.9046G>A, p.Glu3016Lys (NM_201383.3); short protein forms E2980K, E2990K, E2998K, E3012K, E3016K, E3039K, E3149K.
Identifiers: ClinVar variation 196839 (VCV000196839.63), dbSNP rs200898220, ClinGen allele CA244451.
Genomic context (GRCh38, chr8:143,920,787, plus strand): 5'-CCAGCCATACACCCGCGATGACGTTGGCACCCCGGAGAGCCCGCCGCACAGTGTCCACCT[C>T]GGCTACGTCTCGCACAGAGCGCTCACCTCGCTGCAGCTGCTGGTAGAGCTCGCGGTCGAT-3'
Protein context (NP_958786.1, residues 3002-3022): RGERSVRDVA[Glu3012Lys]VDTVRRALRG

ClinVar aggregate classification (germline): Conflicting classifications of pathogenicity. Review status: criteria provided, conflicting classifications (1 of 4 stars). 9 submissions from 9 submitters: Uncertain significance (3); Benign (1); Likely benign (4). 1 of the submissions does not count toward it. Last evaluated 2026-08-01.

Conditions:
PLEC-related disorder. Also called: PLEC-related condition; PLEC-related disorders.
Epidermolysis bullosa simplex 5B, with muscular dystrophy (EBS5B). Also called: Epidermolysis bullosa simplex with muscular dystrophy; EPIDERMOLYSIS BULLOSA SIMPLEX AND LIMB-GIRDLE MUSCULAR DYSTROPHY. Identifiers: Orphanet 257, MedGen C2931072, MONDO:0009181, OMIM 226670.
Epidermolysis bullosa simplex with nail dystrophy (EBS5D). Identifiers: MedGen C4225309, MONDO:0014661, OMIM 616487.
Autosomal recessive limb-girdle muscular dystrophy type 2Q (LGMDR17). Also called: MUSCULAR DYSTROPHY, LIMB-GIRDLE, AUTOSOMAL RECESSIVE 17. Identifiers: Orphanet 254361, MedGen C3150989, MONDO:0013390, OMIM 613723.
Epidermolysis bullosa simplex 5C, with pyloric atresia (EBS5C). Also called: PLEC-Related Epidermolysis Bullosa with Pyloric Atresia; PLEC1-Related Epidermolysis Bullosa with Pyloric Atresia; Epidermolysis bullosa simplex with pyloric atresia. Identifiers: Orphanet 158684, MedGen C2677349, MONDO:0012807, OMIM 612138.
Epidermolysis bullosa simplex, Ogna type (EBS5A). Also called: Pidermolysis bullosa simplex 5A, Ogna type; EPIDERMOLYSIS BULLOSA SIMPLEX 5A, OGNA TYPE. Identifiers: Orphanet 79401, MedGen C0432317, MONDO:0007555, OMIM 131950.

Allele frequency attached by ClinVar (database versions not stated): 1000 Genomes Project 0.00060; 1000 Genomes Project 30x 0.00078; gnomAD exomes 0.00095; ExAC 0.00102; gnomAD 0.00119 and 0.00123; TOPMed 0.00120; ESP Exome Variant Server 0.00121.
gnomAD v4.1: 2,801 of 1,607,268 alleles (0.17%); highest among the groups gnomAD compares: Non-Finnish European, 0.22%; 7 homozygotes.

Submissions (9):

CeGaT Center for Human Genetics Tuebingen
Classification: Likely benign. Last evaluated: 2026-08-01. Review status: criteria provided, single submitter. Criteria: CeGaT Center For Human Genetics Tuebingen Variant Classification Criteria Version 2. Collection method: clinical testing. Allele origin: germline. Affected: yes. Observed: 3 variant alleles.
Comment: PLEC: BS2

Labcorp Genetics (formerly Invitae), Labcorp
Classification: Uncertain significance for Autosomal recessive limb-girdle muscular dystrophy type 2Q; Epidermolysis bullosa simplex, Ogna type; Epidermolysis bullosa simplex with nail dystrophy; Epidermolysis bullosa simplex 5C, with pyloric atresia; Epidermolysis bullosa simplex 5B, with muscular dystrophy. Last evaluated: 2026-01-29. Review status: criteria provided, single submitter. Criteria: Invitae Variant Classification Sherloc (09022015). Collection method: clinical testing. Allele origin: germline.
Comment: This sequence change replaces glutamic acid, which is acidic and polar, with lysine, which is basic and polar, at codon 3039 of the PLEC protein (p.Glu3039Lys). This variant is present in population databases (rs200898220, gnomAD 0.2%), including at least one homozygous and/or hemizygous individual. This missense change has been observed in individual(s) with limb-girdle muscular dystrophy (internal data). ClinVar contains an entry for this variant (Variation ID: 196839). An algorithm developed to predict the effect of missense changes on protein structure and function (PolyPhen-2) suggests that this variant is likely to be disruptive. In summary, the available evidence is currently insufficient to determine the role of this variant in disease. Therefore, it has been classified as a Variant of Uncertain Significance.

Women's Health and Genetics/Laboratory Corporation of America, LabCorp
Classification: Uncertain significance. Last evaluated: 2025-10-21. Review status: criteria provided, single submitter. Criteria: LabCorp Variant Classification Summary - May 2015. Collection method: clinical testing. Allele origin: germline.
Comment: Variant summary: PLEC c.9115G>A (p.Glu3039Lys) results in a conservative amino acid change in the encoded protein sequence. Algorithms developed to predict the effect of missense changes on protein structure and function are either unavailable or do not agree on the potential impact of this missense change. The variant allele was found at a frequency of 0.00095 in 238502 control chromosomes (gnomAD). This frequency is not significantly higher than estimated for disease-causing variants in PLEC, allowing no conclusion about variant significance. c.9115G>A has been observed in individuals affected with late-onset rod-cone dystrophy or primary immunodeficiency disorders (Mjcase_2016, Schlechter_2017). These reports do not provide unequivocal conclusions about association of the variant with Epidermolysis bullosa simplex 5C, with pyloric atresia. To our knowledge, no experimental evidence demonstrating an impact on protein function has been reported. The following publications have been ascertained in the context of this evaluation (PMID: 27977773, 29230214). ClinVar contains an entry for this variant (Variation ID: 196839). Based on the evidence outlined above, the variant was classified as uncertain significance.

Athena Diagnostics
Classification: Likely benign. Last evaluated: 2025-06-25. Review status: criteria provided, single submitter. Criteria: Athena Diagnostics Criteria. Collection method: clinical testing. Allele origin: unknown.
Comment: The frequency of this variant in the general population is higher than would generally be expected for pathogenic variants in this gene. Computational tools predict this amino acid change may be benign.

Mayo Clinic Laboratories, Mayo Clinic
Classification: Benign. Last evaluated: 2024-11-26. Review status: criteria provided, single submitter. Criteria: ACMG Guidelines, 2015. Collection method: clinical testing. Allele origin: germline. Observed: 1 variant allele.
Comment: BS1, BS2, BP4

Blueprint Genetics
Classification: Likely benign. Last evaluated: 2024-11-08. Review status: criteria provided, single submitter. Criteria: ACMG Guidelines, 2015. Collection method: clinical testing. Allele origin: germline.

GeneDx
Classification: Likely benign. Last evaluated: 2020-06-17. Review status: criteria provided, single submitter. Criteria: GeneDx Variant Classification Process June 2021. Collection method: clinical testing. Allele origin: germline. Affected: yes.

Eurofins Ntd Llc (ga)
Classification: Uncertain significance. Last evaluated: 2015-07-17. Review status: criteria provided, single submitter. Criteria: EGL Classification Definitions 2015. Collection method: clinical testing. Allele origin: germline. Observed: 5 variant alleles, 5 heterozygotes.

PreventionGenetics, part of Exact Sciences
Classification: Likely benign for PLEC-related condition. Last evaluated: 2022-04-19. Review status: no assertion criteria provided. Collection method: clinical testing. Allele origin: germline. Not counted in ClinVar's aggregate classification.
Comment: This variant is classified as likely benign based on ACMG/AMP sequence variant interpretation guidelines (Richards et al. 2015 PMID: 25741868, with internal and published modifications).

Literature cited by the submitters: PubMed 27977773 (cited by Women's Health and Genetics/Laboratory Corporation of America, LabCorp); PubMed 29230214 (cited by Women's Health and Genetics/Laboratory Corporation of America, LabCorp and Athena Diagnostics); PubMed 31862442 (cited by Athena Diagnostics); PubMed 29590070 (cited by Athena Diagnostics).